The following is an entry in ClinVar:

NM_000059.4(BRCA2):c.7531dup (p.Tyr2511fs)

Gene: BRCA2 (BRCA2 DNA repair associated; plus strand). Cytogenetic location: 13q13.1.
Variant type: Duplication.
Coding change: c.7531dup on transcript NM_000059.4 (MANE Select); coding-DNA position 7531, one base duplicated (T; older notation c.7531dupT).
Protein change: p.Tyr2511fs; shifts the reading frame from tyrosine 2511.
Molecular consequence: frameshift variant.
Genome position (GRCh38, 1-based): chr13:32,356,523, T duplicated. VCF-style (leftmost placement, unchanged base first): chr13-32356522-G-GT. GRCh37 (hg19) VCF-style: chr13-32930659-G-GT.
Other names: c.7435dup, p.Tyr2479Leufs (NM_001406719.1); c.7531dup, p.Tyr2511Leufs (NM_001406720.1); c.2599dup, p.Tyr867Leufs (NM_001406721.1); c.1114dup, p.Tyr372Leufs (NM_001406722.1); short protein forms Y2511fs.
Identifiers: ClinVar variation 1709055 (VCV001709055.2), dbSNP rs2548541493, ClinGen allele CA2580087474.

ClinVar aggregate classification (germline): Likely pathogenic (1 of 4 stars; one submission).

Conditions:
Familial cancer of breast. Also called: hereditary breast carcinoma; Hereditary breast cancer; BREAST CANCER, FAMILIAL. Identifiers: Orphanet 227535, MedGen C0346153, MONDO:0016419, OMIM 114480. Disease mechanism: loss of function.

Submission:

MGZ Medical Genetics Center
Classification: Likely pathogenic for Familial cancer of breast. Last evaluated: 2022-05-02. Review status: criteria provided, single submitter. Criteria: ACMG Guidelines, 2015. Collection method: clinical testing. Allele origin: germline. Affected: yes. Observed: 1 variant allele.
Comment: ACMG criteria applied: PVS1, PM2_SUP